The following is an entry in ClinVar:

ClinVar aggregate classification (germline): Uncertain significance (0 of 4 stars; one submission).

Conditions:
UBR4-related disorder. Also called: UBR4-related condition.

gnomAD v4.1: 9 of 1,583,378 alleles (0.00057%); highest among the groups gnomAD compares: East Asian, 0.0023%; no homozygotes.

Submission:

PreventionGenetics, part of Exact Sciences
Classification: Uncertain significance for UBR4-related condition. Last evaluated: 2024-05-17. Review status: no assertion criteria provided. Collection method: clinical testing. Allele origin: germline.
Comment: The UBR4 c.11473C>T variant is predicted to result in the amino acid substitution p.Arg3825Cys. To our knowledge, this variant has not been reported in the literature. This variant is reported in 0.0056% of alleles in individuals of East Asian descent in gnomAD. At this time, the clinical significance of this variant is uncertain due to the absence of conclusive functional and genetic evidence.

NM_020765.3(UBR4):c.11473C>T (p.Arg3825Cys)

Gene: UBR4 (ubiquitin protein ligase E3 component n-recognin 4; minus strand). Cytogenetic location: 1p36.13.
Variant type: single nucleotide variant.
Coding change: c.11473C>T on transcript NM_020765.3 (MANE Select); coding-DNA position 11473, C replaced by T.
Protein change: p.Arg3825Cys; replaces arginine 3825 with cysteine.
Molecular consequence: missense variant.
Genome position (GRCh38, 1-based): chr1:19,112,852, G>A on the plus strand (C>T on the coding strand, the complement: UBR4 is on the minus strand). VCF-style: chr1-19112852-G-A. GRCh37 (hg19) VCF-style: chr1-19439346-G-A.
Other names: short protein forms R3825C.
Identifiers: ClinVar variation 3350658 (VCV003350658.1).
Genomic context (GRCh38, chr1:19,112,852, plus strand): 5'-TCCGGGATGATTTAGTGGCTGCTTCCCTCTGCTGTAGGTCATATTCCAACAACTCTTTGC[G>A]CGAAGCAAAGACTTTCTAAGAACAAAAAGGCAACAATAATGGGAATTAGCAATTAAAATA-3'
Protein context (NP_065816.2, residues 3815-3835): SKIIQKVFAS[Arg3825Cys]KELLEYDLQQ